The following is an entry in ClinVar:

NM_000136.3(FANCC):c.1614T>G (p.Ile538Met)

Genes: AOPEP (aminopeptidase O (putative); plus strand), FANCC (FA complementation group C; minus strand). Cytogenetic location: 9q22.32.
Variant type: single nucleotide variant.
Coding change: c.1614T>G on transcript NM_000136.3 (MANE Select); coding-DNA position 1614, T replaced by G.
Protein change: p.Ile538Met; replaces isoleucine 538 with methionine.
Molecular consequence: missense variant.
Genome position (GRCh38, 1-based): chr9:95,101,770, A>C on the plus strand (T>G on the coding strand, the complement: FANCC is on the minus strand). VCF-style: chr9-95101770-A-C. GRCh37 (hg19) VCF-style: chr9-97864052-A-C.
Other names: c.1614T>G, p.Ile538Met (NM_001243743.2); short protein forms I538M.
Identifiers: ClinVar variation 3277643 (VCV003277643.1).

ClinVar aggregate classification (germline): Uncertain significance (1 of 4 stars; one submission).

Conditions:
Hereditary cancer-predisposing syndrome. Also called: Tumor predisposition; Hereditary Cancer Syndrome; Hereditary neoplastic syndrome; Neoplastic Syndromes, Hereditary. Identifiers: Orphanet 140162, MedGen C0027672, MeSH D009386, MONDO:0015356.

gnomAD v4.1: 1 of 1,614,134 alleles (0.000062%); highest among the groups gnomAD compares: Non-Finnish European, 0.000085%; no homozygotes.

Submission:

Ambry Genetics
Classification: Uncertain significance for Hereditary cancer-predisposing syndrome. Last evaluated: 2024-05-18. Review status: criteria provided, single submitter. Criteria: Ambry Variant Classification Scheme 2023. Collection method: clinical testing. Allele origin: germline.
Comment: The p.I538M variant (also known as c.1614T>G), located in coding exon 14 of the FANCC gene, results from a T to G substitution at nucleotide position 1614. The isoleucine at codon 538 is replaced by methionine, an amino acid with highly similar properties. This amino acid position is conserved. In addition, this alteration is predicted to be tolerated by in silico analysis. Based on the available evidence, the clinical significance of this variant remains unclear.